The following is an entry in ClinVar:

ClinVar aggregate classification (germline): Uncertain significance (1 of 4 stars; one submission).

Allele frequency attached by ClinVar (database versions not stated): gnomAD 0.00002.
gnomAD v4.1: 3 of 1,611,916 alleles (0.00019%); highest among the groups gnomAD compares: African/African-American, 0.004%; no homozygotes.

Submission:

Labcorp Genetics (formerly Invitae), Labcorp
Classification: Uncertain significance. Last evaluated: 2023-10-15. Review status: criteria provided, single submitter. Criteria: Invitae Variant Classification Sherloc (09022015). Collection method: clinical testing. Allele origin: germline.
Comment: This sequence change replaces alanine, which is neutral and non-polar, with serine, which is neutral and polar, at codon 737 of the DIP2C protein (p.Ala737Ser). This variant is present in population databases (no rsID available, gnomAD 0.01%). This variant has not been reported in the literature in individuals affected with DIP2C-related conditions. An algorithm developed to predict the effect of missense changes on protein structure and function (PolyPhen-2) suggests that this variant is likely to be tolerated. In summary, the available evidence is currently insufficient to determine the role of this variant in disease. Therefore, it has been classified as a Variant of Uncertain Significance.

NM_014974.3(DIP2C):c.2209G>T (p.Ala737Ser)

Gene: DIP2C (DIP2 acetate--CoA ligase C (putative); minus strand). Cytogenetic location: 10p15.3.
Variant type: single nucleotide variant.
Coding change: c.2209G>T on transcript NM_014974.3 (MANE Select); coding-DNA position 2209, G replaced by T.
Protein change: p.Ala737Ser; replaces alanine 737 with serine.
Molecular consequence: missense variant.
Genome position (GRCh38, 1-based): chr10:366,334, C>A on the plus strand (G>T on the coding strand, the complement: DIP2C is on the minus strand). VCF-style: chr10-366334-C-A. GRCh37 (hg19) VCF-style: chr10-412274-C-A.
Other names: short protein forms A737S.
Identifiers: ClinVar variation 2988811 (VCV002988811.3), dbSNP rs780820040, ClinGen allele CA201936472.